The following is an entry in ClinVar:

NM_019032.6(ADAMTSL4):c.2425C>T (p.Arg809Cys)

Gene: ADAMTSL4 (ADAMTS like 4; plus strand). Cytogenetic location: 1q21.2.
Variant type: single nucleotide variant.
Coding change: c.2425C>T on transcript NM_019032.6 (MANE Select); coding-DNA position 2425, C replaced by T.
Protein change: p.Arg809Cys; replaces arginine 809 with cysteine.
Molecular consequence: missense variant.
Genome position (GRCh38, 1-based): chr1:150,558,515, C>T. VCF-style: chr1-150558515-C-T. GRCh37 (hg19) VCF-style: chr1-150530991-C-T.
Other names: c.2308C>T, p.Arg770Cys (NM_001288607.2); c.2494C>T, p.Arg832Cys (NM_001288608.2); c.2425C>T, p.Arg809Cys (NM_001378596.1, NM_025008.5); c.2425C>T (NM_019032.4); short protein forms R809C, R832C, R770C.
Identifiers: ClinVar variation 1349227 (VCV001349227.4), dbSNP rs143844555, ClinGen allele CA1078673.
Genomic context (GRCh38, chr1:150,558,515, plus strand): 5'-TTCCCCTCGCCCCCTCAGTGCTCCGTGCGGTGCGGCCGGGGCCAGAGAAGCCGGCAGGTT[C>T]GCTGTGTTGGGAACAATGGTGATGAAGTGAGCGAGCAGGAGTGTGCGTCAGGCCCCCCGC-3'
Protein context (NP_061905.2, residues 799-819): CGRGQRSRQV[Arg809Cys]CVGNNGDEVS

ClinVar aggregate classification (germline): Uncertain significance. Review status: criteria provided, multiple submitters, no conflicts (2 of 4 stars). 4 submissions from 3 submitters: Uncertain significance (4). Last evaluated 2023-04-11.

Conditions:
Inborn genetic diseases. Identifiers: MedGen C0950123, MeSH D030342.
Ectopia lentis et pupillae. Also called: ECTOPIA LENTIS WITH ECTOPIA OF PUPIL. Identifiers: Orphanet 1885, MedGen C1644196, MONDO:0009153, OMIM 225200.
Ectopia lentis 2, isolated, autosomal recessive (ECTOL2). Identifiers: Orphanet 1885, MedGen C3541474, MONDO:0009152, OMIM 225100.

Allele frequency attached by ClinVar (database versions not stated): ExAC 0.00003; gnomAD exomes 0.00004 and 0.00011; TOPMed 0.00009; gnomAD 0.00013 and 0.00014; ESP Exome Variant Server 0.00015; 1000 Genomes Project 30x 0.00016; 1000 Genomes Project 0.00020.
gnomAD v4.1: 179 of 1,613,822 alleles (0.011%); highest among the groups gnomAD compares: Non-Finnish European, 0.013%; no homozygotes.

Submissions (4):

Genome-Nilou Lab
Classification: Uncertain significance for Ectopia lentis et pupillae. Last evaluated: 2023-04-11. Review status: criteria provided, single submitter. Criteria: ACMG Guidelines, 2015. Collection method: clinical testing. Allele origin: germline. Affected: no.

Genome-Nilou Lab
Classification: Uncertain significance for Ectopia lentis 2, isolated, autosomal recessive. Last evaluated: 2023-04-11. Review status: criteria provided, single submitter. Criteria: ACMG Guidelines, 2015. Collection method: clinical testing. Allele origin: germline. Affected: no.

Labcorp Genetics (formerly Invitae), Labcorp
Classification: Uncertain significance. Last evaluated: 2022-09-13. Review status: criteria provided, single submitter. Criteria: Invitae Variant Classification Sherloc (09022015). Collection method: clinical testing. Allele origin: germline.
Comment: This sequence change replaces arginine, which is basic and polar, with cysteine, which is neutral and slightly polar, at codon 809 of the ADAMTSL4 protein (p.Arg809Cys). This variant is present in population databases (rs143844555, gnomAD 0.006%). This variant has not been reported in the literature in individuals affected with ADAMTSL4-related conditions. ClinVar contains an entry for this variant (Variation ID: 1349227). Algorithms developed to predict the effect of missense changes on protein structure and function (SIFT, PolyPhen-2, Align-GVGD) all suggest that this variant is likely to be disruptive. In summary, the available evidence is currently insufficient to determine the role of this variant in disease. Therefore, it has been classified as a Variant of Uncertain Significance.

Ambry Genetics
Classification: Uncertain significance for Inborn genetic diseases. Last evaluated: 2022-02-03. Review status: criteria provided, single submitter. Criteria: Ambry Variant Classification Scheme 2023. Collection method: clinical testing. Allele origin: germline.